The following is an entry in ClinVar:

ClinVar aggregate classification (germline): Uncertain significance (1 of 4 stars; one submission).

Conditions:
Nephronophthisis. Also called: Juvenile Nephronophthisis. Identifiers: Orphanet 655, MedGen C0687120, MONDO:0019005, HP:0000090.

Allele frequency attached by ClinVar (database versions not stated): gnomAD 0.00001; TOPMed 0.00002.
gnomAD v4.1: 1 of 1,614,032 alleles (0.000062%); highest among the groups gnomAD compares: African/African-American, 0.0013%; no homozygotes.

Submission:

Labcorp Genetics (formerly Invitae), Labcorp
Classification: Uncertain significance for Nephronophthisis. Last evaluated: 2024-02-17. Review status: criteria provided, single submitter. Criteria: Invitae Variant Classification Sherloc (09022015). Collection method: clinical testing. Allele origin: germline.
Comment: This sequence change replaces glycine, which is neutral and non-polar, with serine, which is neutral and polar, at codon 466 of the NPHP3 protein (p.Gly466Ser). This variant is not present in population databases (gnomAD no frequency). This variant has not been reported in the literature in individuals affected with NPHP3-related conditions. ClinVar contains an entry for this variant (Variation ID: 1495297). Advanced modeling of protein sequence and biophysical properties (such as structural, functional, and spatial information, amino acid conservation, physicochemical variation, residue mobility, and thermodynamic stability) performed at Invitae indicates that this missense variant is not expected to disrupt NPHP3 protein function with a negative predictive value of 80%. In summary, the available evidence is currently insufficient to determine the role of this variant in disease. Therefore, it has been classified as a Variant of Uncertain Significance.

NM_153240.5(NPHP3):c.1396G>A (p.Gly466Ser)

Genes: NPHP3 (nephrocystin 3; minus strand), NPHP3-ACAD11 (NPHP3-ACAD11 readthrough (NMD candidate); minus strand). Cytogenetic location: 3q22.1.
Variant type: single nucleotide variant.
Coding change: c.1396G>A on transcript NM_153240.5 (MANE Select); coding-DNA position 1396, G replaced by A.
Protein change: p.Gly466Ser; replaces glycine 466 with serine.
Molecular consequence: missense variant. On other transcripts: non-coding transcript variant (1).
Genome position (GRCh38, 1-based): chr3:132,704,326, C>T on the plus strand (G>A on the coding strand, the complement: NPHP3 is on the minus strand). VCF-style: chr3-132704326-C-T. GRCh37 (hg19) VCF-style: chr3-132423170-C-T.
Other names: short protein forms G466S.
Identifiers: ClinVar variation 1495297 (VCV001495297.8), dbSNP rs1241694746, ClinGen allele CA354584682.